The following is an entry in ClinVar:

NM_133259.4(LRPPRC):c.2504+2T>A

Gene: LRPPRC (leucine rich pentatricopeptide repeat containing; minus strand). Cytogenetic location: 2p21.
Variant type: single nucleotide variant.
Coding change: c.2504+2T>A on transcript NM_133259.4 (MANE Select); the canonical splice donor site of the intron after coding-DNA position 2504, T replaced by A.
Molecular consequence: splice donor variant.
Genome position (GRCh38, 1-based): chr2:43,943,685, A>T on the plus strand (T>A on the coding strand, the complement: LRPPRC is on the minus strand). VCF-style: chr2-43943685-A-T. GRCh37 (hg19) VCF-style: chr2-44170824-A-T.
Identifiers: ClinVar variation 1068335 (VCV001068335.7), dbSNP rs2105077267, ClinGen allele CA346672428.

ClinVar aggregate classification (germline): Likely pathogenic (1 of 4 stars; one submission).

Submission:

Labcorp Genetics (formerly Invitae), Labcorp
Classification: Likely pathogenic. Last evaluated: 2017-11-10. Review status: criteria provided, single submitter. Criteria: Invitae Variant Classification Sherloc (09022015). Collection method: clinical testing. Allele origin: germline.
Comment: In summary, the currently available evidence indicates that the variant is pathogenic, but additional data are needed to prove that conclusively. Therefore, this variant has been classified as Likely Pathogenic. Donor and acceptor splice site variants typically lead to a loss of protein function (PMID: 16199547), and loss-of-function variants in LRPPRC are known to be pathogenic (PMID: 26510951). Algorithms developed to predict the effect of sequence changes on RNA splicing suggest that this variant may disrupt the consensus splice site, but this prediction has not been confirmed by published transcriptional studies. This variant has not been reported in the literature in individuals with LRPPRC-related disease. This variant is not present in population databases (ExAC no frequency). This sequence change affects a donor splice site in intron 23 of the LRPPRC gene. It is expected to disrupt RNA splicing and likely results in an absent or disrupted protein product.

Literature cited by the submitters: PubMed 16199547; PubMed 26510951.